The following is an entry in ClinVar:

ClinVar aggregate classification (germline): Likely pathogenic (1 of 4 stars; one submission).

Allele frequency attached by ClinVar (database versions not stated): gnomAD exomes below 0.00001.
gnomAD v4.1: 1 of 1,583,976 alleles (0.000063%); highest among the groups gnomAD compares: South Asian, 0.0011%; no homozygotes.

Submission:

Labcorp Genetics (formerly Invitae), Labcorp
Classification: Likely pathogenic. Last evaluated: 2020-02-10. Review status: criteria provided, single submitter. Criteria: Invitae Variant Classification Sherloc (09022015). Collection method: clinical testing. Allele origin: germline.
Comment: This sequence change affects a donor splice site in intron 7 of the PDE6B gene. It is expected to disrupt RNA splicing and likely results in an absent or disrupted protein product. This variant has been observed in individual(s) with clinical features of autosomal recessive retinitis pigmentosa (Invitae). This variant is not present in population databases (ExAC no frequency). Algorithms developed to predict the effect of sequence changes on RNA splicing suggest that this variant may disrupt the consensus splice site, but this prediction has not been confirmed by published transcriptional studies. In summary, the currently available evidence indicates that the variant is pathogenic, but additional data are needed to prove that conclusively. Therefore, this variant has been classified as Likely Pathogenic. Donor and acceptor splice site variants typically lead to a loss of protein function (PMID: 16199547), and loss-of-function variants in PDE6B are known to be pathogenic (PMID: 8394174, 8595886, 22334370).

Literature cited by the submitters: PubMed 16199547; PubMed 8394174; PubMed 8595886; PubMed 22334370.

NM_000283.4(PDE6B):c.1059+1G>C

Gene: PDE6B (phosphodiesterase 6B; plus strand). Cytogenetic location: 4p16.3.
Variant type: single nucleotide variant.
Coding change: c.1059+1G>C on transcript NM_000283.4 (MANE Select); the canonical splice donor site of the intron after coding-DNA position 1059, G replaced by C.
Molecular consequence: splice donor variant. On other transcripts: intron variant (1).
Genome position (GRCh38, 1-based): chr4:656,007, G>C. VCF-style: chr4-656007-G-C. GRCh37 (hg19) VCF-style: chr4-649796-G-C.
Other names: c.1059+1G>C (NM_001145291.2); c.222+1G>C (NM_001379246.1, NM_001379247.1, NM_001145292.2 and 1 more transcripts); c.-48-867G>C (NM_001350155.3).
Identifiers: ClinVar variation 1067394 (VCV001067394.10), dbSNP rs2109208075, ClinGen allele CA355912826.